The following is an entry in ClinVar:

NM_017841.4(SDHAF2):c.-2A>G

Gene: SDHAF2 (succinate dehydrogenase complex assembly factor 2; plus strand). Cytogenetic location: 11q12.2.
Variant type: single nucleotide variant.
Coding change: c.-2A>G on transcript NM_017841.4 (MANE Select); 2 bases upstream of the start codon, A replaced by G.
Molecular consequence: 5 prime UTR variant.
Genome position (GRCh38, 1-based): chr11:61,430,145, A>G. VCF-style: chr11-61430145-A-G. GRCh37 (hg19) VCF-style: chr11-61197617-A-G.
Identifiers: ClinVar variation 4547272 (VCV004547272.1).

ClinVar aggregate classification (germline): Uncertain significance (1 of 4 stars; one submission).

Conditions:
Hereditary cancer-predisposing syndrome. Also called: Tumor predisposition; Hereditary Cancer Syndrome; Hereditary neoplastic syndrome; Neoplastic Syndromes, Hereditary. Identifiers: Orphanet 140162, MedGen C0027672, MeSH D009386, MONDO:0015356.

gnomAD v4.1: 5 of 1,614,202 alleles (0.00031%); highest among the groups gnomAD compares: Non-Finnish European, 0.00042%; no homozygotes.

Submission:

Ambry Genetics
Classification: Uncertain significance for Hereditary cancer-predisposing syndrome. Last evaluated: 2025-10-22. Review status: criteria provided, single submitter. Criteria: Ambry Variant Classification Scheme 2023. Collection method: clinical testing. Allele origin: germline.
Comment: The c.-2A>G variant is located in the 5' untranslated region (5&rsquo; UTR) of the SDHAF2 gene. This variant results from an A to G substitution 2 bases upstream from the first translated codon. This nucleotide position is well conserved in available vertebrate species. Based on the available evidence, the clinical significance of this variant remains unclear.